The following is an entry in ClinVar:

ClinVar aggregate classification (germline): Uncertain significance (1 of 4 stars; one submission).

Submission:

GeneDx
Classification: Uncertain significance. Last evaluated: 2024-06-16. Review status: criteria provided, single submitter. Criteria: GeneDx Variant Classification Process June 2021. Collection method: clinical testing. Allele origin: germline. Affected: yes.
Comment: Not observed at significant frequency in large population cohorts (gnomAD); In silico analysis indicates that this missense variant does not alter protein structure/function; Has not been previously published as pathogenic or benign to our knowledge

NM_024741.3(ZNF408):c.948C>G (p.Cys316Trp)

Gene: ZNF408 (zinc finger protein 408; plus strand). Cytogenetic location: 11p11.2.
Variant type: single nucleotide variant.
Coding change: c.948C>G on transcript NM_024741.3 (MANE Select); coding-DNA position 948, C replaced by G.
Protein change: p.Cys316Trp; replaces cysteine 316 with tryptophan.
Molecular consequence: missense variant.
Genome position (GRCh38, 1-based): chr11:46,704,648, C>G. VCF-style: chr11-46704648-C-G. GRCh37 (hg19) VCF-style: chr11-46726198-C-G.
Other names: c.924C>G, p.Cys308Trp (NM_001184751.2); short protein forms C308W, C316W.
Identifiers: ClinVar variation 3390539 (VCV003390539.1).
Genomic context (GRCh38, chr11:46,704,648, plus strand): 5'-CAGGGGCACCCAGCCGCATGGCTACCTGGCCAAGAAGTTACACAGCCCCAGTGATCAGTG[C>G]CCACCCAGAGCAAAGACCCCAGAGCCTGGAGCCCAGCAGTCTGGCTTCCCTACACTCTCG-3'
Protein context (NP_079017.1, residues 306-326): AKKLHSPSDQ[Cys316Trp]PPRAKTPEPG